The following is an entry in ClinVar:

ClinVar aggregate classification (germline): Benign. Review status: criteria provided, multiple submitters, no conflicts (2 of 4 stars). 2 submissions from 2 submitters: Benign (2). Last evaluated 2018-01-13.

Conditions:
Mucopolysaccharidosis, MPS-III-C (MPS3C). Also called: MUCOPOLYSACCHARIDOSIS, TYPE IIIC; Mucopolysaccharidosis type IIIC (Sanfilippo C); MPS IIIC (Sanfilippo Syndrome Type C); SANFILIPPO SYNDROME C; mucopolysaccharidosis type 3C; MPS III C. Identifiers: Orphanet 581, Orphanet 79271, MedGen C0086649, MONDO:0009657, OMIM 252930.

Allele frequency attached by ClinVar (database versions not stated): 1000 Genomes Project 0.82188; gnomAD 0.87926 and 0.87981; 1000 Genomes Project 30x 0.82042; gnomAD exomes 0.96847; TOPMed 0.85907.
gnomAD v4.1: 134,291 of 152,492 alleles (88%); highest among the groups gnomAD compares: Non-Finnish European, 97%; 59,986 homozygotes.

Submissions (2):

Illumina Laboratory Services, Illumina
Classification: Benign for Mucopolysaccharidosis, MPS-III-C. Last evaluated: 2018-01-13. Review status: criteria provided, single submitter. Criteria: ICSL Variant Classification Criteria 13 December 2019. Collection method: clinical testing. Allele origin: germline.
Comment: This variant was observed in the ICSL laboratory as part of a predisposition screen in an ostensibly healthy population. It had not been previously curated by ICSL or reported in the Human Gene Mutation Database (HGMD: prior to June 1st, 2018), and was therefore a candidate for classification through an automated scoring system. Utilizing variant allele frequency, disease prevalence and penetrance estimates, and inheritance mode, an automated score was calculated to assess if this variant is too frequent to cause the disease. Based on the score and internal cut-off values, a variant classified as benign is not then subjected to further curation. The score for this variant resulted in a classification of benign for this disease.

Breakthrough Genomics
Classification: Benign. Review status: criteria provided, single submitter. Criteria: ACMG Guidelines, 2015. Collection method: not provided. Allele origin: germline. Inheritance: Autosomal recessive inheritance. Affected: yes.

NM_152419.3(HGSNAT):c.*1801T>C

Gene: HGSNAT (heparan-alpha-glucosaminide N-acetyltransferase; plus strand). Cytogenetic location: 8p11.1.
Variant type: single nucleotide variant.
Coding change: c.*1801T>C on transcript NM_152419.3 (MANE Select); 1801 bases downstream of the stop codon, T replaced by C.
Molecular consequence: 3 prime UTR variant.
Genome position (GRCh38, 1-based): chr8:43,201,370, T>C. VCF-style: chr8-43201370-T-C. GRCh37 (hg19) VCF-style: chr8-43056513-T-C.
Other names: c.*1801T>C (NM_001363227.2, NM_001363228.2, NM_001363229.2).
Identifiers: ClinVar variation 363174 (VCV000363174.6), dbSNP rs3739431, ClinGen allele CA10625525.
Genomic context (GRCh38, chr8:43,201,370, plus strand): 5'-CCTTCCCGTCTTGATCCCCACACATCTTTCCAGCCTCCCCTCCCACTCCACTCCCTGCTC[T>C]CTCCTCCACCTCCCCATCCTCTTGTCTCCCCTCCCCTCTGAATCCAGCCCAGCGGGGCTT-3'